The following is an entry in ClinVar:

ClinVar aggregate classification (germline): Likely benign. Review status: criteria provided, single submitter (1 of 4 stars). 2 submissions from 2 submitters: Likely benign (1). 1 of the submissions does not count toward it. Last evaluated 2018-05-02.

Conditions:
DNHD1-related disorder. Also called: DNHD1-related condition.

Allele frequency attached by ClinVar (database versions not stated): gnomAD exomes 0.00014 and 0.00026; ExAC 0.00033; 1000 Genomes Project 30x 0.00094; gnomAD 0.00107 and 0.00116; 1000 Genomes Project 0.00120; TOPMed 0.00136; ESP Exome Variant Server 0.00138.
gnomAD v4.1: 393 of 1,613,310 alleles (0.024%); highest among the groups gnomAD compares: African/African-American, 0.42%; no homozygotes.

Submissions (4):

Labcorp Genetics (formerly Invitae), Labcorp
Classification: Likely benign. Last evaluated: 2018-05-02. Review status: criteria provided, single submitter. Criteria: Invitae Variant Classification Sherloc (09022015). Collection method: clinical testing. Allele origin: germline.

PreventionGenetics, part of Exact Sciences
Classification: Likely benign for DNHD1-related condition. Last evaluated: 2022-07-06. Review status: no assertion criteria provided. Collection method: clinical testing. Allele origin: germline. Not counted in ClinVar's aggregate classification.
Comment: This variant is classified as likely benign based on ACMG/AMP sequence variant interpretation guidelines (Richards et al. 2015 PMID: 25741868, with internal and published modifications).

Dr. Peter K. Rogan Lab, Western University
No classification provided (evidence only). Condition: Papillary renal cell carcinoma type 1. Review status: no classification provided. Collection method: in vitro. Allele origin: not applicable. Functional consequence: retained intron. Not counted in ClinVar's aggregate classification.

Dr. Peter K. Rogan Lab, Western University
No classification provided (evidence only). Condition: Malignant tumor of esophagus. Review status: no classification provided. Collection method: in vitro. Allele origin: not applicable. Functional consequence: retained intron. Not counted in ClinVar's aggregate classification.

NM_144666.3(DNHD1):c.12539-1G>A

Gene: DNHD1 (dynein heavy chain domain 1; plus strand). Cytogenetic location: 11p15.4.
Variant type: single nucleotide variant.
Coding change: c.12539-1G>A on transcript NM_144666.3 (MANE Select); the canonical splice acceptor site of the intron before coding-DNA position 12539, G replaced by A.
Molecular consequence: splice acceptor variant.
Genome position (GRCh38, 1-based): chr11:6,568,453, G>A. VCF-style: chr11-6568453-G-A. GRCh37 (hg19) VCF-style: chr11-6589683-G-A.
Other names: NC_000011.9:g.6589683G>A.
Identifiers: ClinVar variation 727335 (VCV000727335.6), dbSNP rs149040105, ClinGen allele CA5856864.